The following is an entry in ClinVar:

ClinVar aggregate classification (germline): Benign (0 of 4 stars; one submission).

Conditions:
DMXL1-related disorder. Also called: DMXL1-related condition.

Allele frequency attached by ClinVar (database versions not stated): 1000 Genomes Project 30x 0.02889; 1000 Genomes Project 0.03015; TOPMed 0.04173; ESP Exome Variant Server 0.04429; gnomAD 0.04567; ExAC 0.04956; gnomAD exomes 0.05862.
gnomAD v4.1: 92,536 of 1,613,880 alleles (5.7%); highest among the groups gnomAD compares: Middle Eastern, 8.3%; 3,022 homozygotes.

Submission:

PreventionGenetics, part of Exact Sciences
Classification: Benign for DMXL1-related condition. Last evaluated: 2019-03-12. Review status: no assertion criteria provided. Collection method: clinical testing. Allele origin: germline.
Comment: This variant is classified as benign based on ACMG/AMP sequence variant interpretation guidelines (Richards et al. 2015 PMID: 25741868, with internal and published modifications).

NM_001290321.3(DMXL1):c.7072G>A (p.Ala2358Thr)

Gene: DMXL1 (Dmx like 1; plus strand). Cytogenetic location: 5q23.1.
Variant type: single nucleotide variant.
Coding change: c.7072G>A on transcript NM_001290321.3 (MANE Select); coding-DNA position 7072, G replaced by A.
Protein change: p.Ala2358Thr; replaces alanine 2358 with threonine.
Molecular consequence: missense variant. On other transcripts: non-coding transcript variant (3).
Genome position (GRCh38, 1-based): chr5:119,178,181, G>A. VCF-style: chr5-119178181-G-A. GRCh37 (hg19) VCF-style: chr5-118513876-G-A.
Other names: c.6367G>A, p.Ala2123Thr (NM_001387937.1); c.6085G>A, p.Ala2029Thr (NM_001387938.1); c.7072G>A, p.Ala2358Thr (NM_005509.6, NM_001349239.2, NM_001349240.2 and 1 more transcripts); c.6880G>A, p.Ala2294Thr (NM_001387934.1); short protein forms A2029T, A2123T, A2294T, A2358T.
Identifiers: ClinVar variation 3056137 (VCV003056137.2), dbSNP rs79460759, ClinGen allele CA3380735.